The following is an entry in ClinVar:

ClinVar aggregate classification (germline): Uncertain significance (1 of 4 stars; one submission).

Submission:

GeneDx
Classification: Uncertain significance. Last evaluated: 2020-10-19. Review status: criteria provided, single submitter. Criteria: GeneDx Variant Classification Process June 2021. Collection method: clinical testing. Allele origin: germline. Affected: yes.
Comment: Not observed in large population cohorts (Lek et al., 2016); In silico analysis supports that this missense variant has a deleterious effect on protein structure/function; Has not been previously published as pathogenic or benign to our knowledge

NM_004525.3(LRP2):c.4420G>T (p.Asp1474Tyr)

Gene: LRP2 (LDL receptor related protein 2; minus strand). Cytogenetic location: 2q31.1.
Variant type: single nucleotide variant.
Coding change: c.4420G>T on transcript NM_004525.3 (MANE Select); coding-DNA position 4420, G replaced by T.
Protein change: p.Asp1474Tyr; replaces aspartic acid 1474 with tyrosine.
Molecular consequence: missense variant.
Genome position (GRCh38, 1-based): chr2:169,238,177, C>A on the plus strand (G>T on the coding strand, the complement: LRP2 is on the minus strand). VCF-style: chr2-169238177-C-A. GRCh37 (hg19) VCF-style: chr2-170094687-C-A.
Other names: short protein forms D1474Y.
Identifiers: ClinVar variation 1313237 (VCV001313237.2), dbSNP rs2105378746, ClinGen allele CA349144575.